The following is an entry in ClinVar:

ClinVar aggregate classification (germline): Uncertain significance (1 of 4 stars; one submission).

Conditions:
Charcot-Marie-Tooth disease dominant intermediate B (CMTDIB). Also called: Charcot-Marie-Tooth disease dominant intermediate 1; CMT DI1; Charcot-Marie-Tooth disease dominant intermediate I; CHARCOT-MARIE-TOOTH NEUROPATHY, DOMINANT INTERMEDIATE B. Identifiers: Orphanet 100044, Orphanet 228179, MedGen C1847902, MONDO:0011674, OMIM 606482.

Allele frequency attached by ClinVar (database versions not stated): gnomAD exomes below 0.00001; ExAC 0.00001.
gnomAD v4.1: 2 of 1,613,702 alleles (0.00012%); highest among the groups gnomAD compares: Non-Finnish European, 0.00017%; no homozygotes.

Submission:

Labcorp Genetics (formerly Invitae), Labcorp
Classification: Uncertain significance for Charcot-Marie-Tooth disease dominant intermediate B. Last evaluated: 2022-01-10. Review status: criteria provided, single submitter. Criteria: Invitae Variant Classification Sherloc (09022015). Collection method: clinical testing. Allele origin: germline.
Comment: In summary, the available evidence is currently insufficient to determine the role of this variant in disease. Therefore, it has been classified as a Variant of Uncertain Significance. Algorithms developed to predict the effect of missense changes on protein structure and function are either unavailable or do not agree on the potential impact of this missense change (SIFT: "Deleterious"; PolyPhen-2: "Benign"; Align-GVGD: "Class C55"). This variant has not been reported in the literature in individuals affected with DNM2-related conditions. This variant is present in population databases (rs775361247, gnomAD 0.0009%). This sequence change replaces glutamic acid, which is acidic and polar, with lysine, which is basic and polar, at codon 628 of the DNM2 protein (p.Glu628Lys).

NM_001005361.3(DNM2):c.1882G>A (p.Glu628Lys)

Gene: DNM2 (dynamin 2; plus strand). Cytogenetic location: 19p13.2.
Variant type: single nucleotide variant.
Coding change: c.1882G>A on transcript NM_001005361.3 (MANE Select); coding-DNA position 1882, G replaced by A.
Protein change: p.Glu628Lys; replaces glutamic acid 628 with lysine.
Molecular consequence: missense variant.
Genome position (GRCh38, 1-based): chr19:10,823,888, G>A. VCF-style: chr19-10823888-G-A. GRCh37 (hg19) VCF-style: chr19-10934564-G-A.
Other names: c.1870G>A, p.Glu624Lys (NM_001005362.3, NM_004945.4); c.1882G>A, p.Glu628Lys (NM_001190716.2, NM_001005360.3); short protein forms E624K, E628K.
Identifiers: ClinVar variation 1466568 (VCV001466568.6), dbSNP rs775361247, ClinGen allele CA9201425.